The following is an entry in ClinVar:

NM_001283009.2(RTEL1):c.226G>T (p.Ala76Ser)

Genes: RTEL1-TNFRSF6B (RTEL1-TNFRSF6B readthrough (NMD candidate); plus strand), RTEL1 (regulator of telomere elongation helicase 1; plus strand). Cytogenetic location: 20q13.33.
Variant type: single nucleotide variant.
Coding change: c.226G>T on transcript NM_001283009.2 (MANE Select); coding-DNA position 226, G replaced by T.
Protein change: p.Ala76Ser; replaces alanine 76 with serine.
Molecular consequence: missense variant. On other transcripts: non-coding transcript variant (1), 5 prime UTR variant (1).
Genome position (GRCh38, 1-based): chr20:63,661,421, G>T. VCF-style: chr20-63661421-G-T. GRCh37 (hg19) VCF-style: chr20-62292774-G-T.
Other names: c.-444G>T (NM_001283010.1); c.226G>T, p.Ala76Ser (NM_016434.4, NM_032957.5); short protein forms A76S.
Identifiers: ClinVar variation 1788770 (VCV001788770.2), dbSNP rs2516992628, ClinGen allele CA409658014.
Genomic context (GRCh38, chr20:63,661,421, plus strand): 5'-ACGCTGGCCTGGCGAGAACACCTCCGAGACGGCATCTCTGCCCGCAAGATTGCCGAGAGG[G>T]CGCAAGGAGAGCTTTTCCCGGATCGGGCCTTGTCATCCTGGGGCAACGCTGCTGCTGCTG-3'
Protein context (NP_001269938.1, residues 66-86): GISARKIAER[Ala76Ser]QGELFPDRAL

ClinVar aggregate classification (germline): Uncertain significance (1 of 4 stars; one submission).

Conditions:
Inborn genetic diseases. Identifiers: MedGen C0950123, MeSH D030342.

Submission:

Ambry Genetics
Classification: Uncertain significance for Inborn genetic diseases. Last evaluated: 2022-06-22. Review status: criteria provided, single submitter. Criteria: Ambry Variant Classification Scheme 2023. Collection method: clinical testing. Allele origin: germline.
Comment: The p.A76S variant (also known as c.226G>T), located in coding exon 2 of the RTEL1 gene, results from a G to T substitution at nucleotide position 226. The alanine at codon 76 is replaced by serine, an amino acid with similar properties. This amino acid position is conserved. In addition, this alteration is predicted to be tolerated by in silico analysis. Since supporting evidence is limited at this time, the clinical significance of this alteration remains unclear.